The following is an entry in ClinVar:

NM_004082.5(DCTN1):c.1292A>G (p.Asp431Gly)

Gene: DCTN1 (dynactin subunit 1; minus strand). Cytogenetic location: 2p13.1.
Variant type: single nucleotide variant.
Coding change: c.1292A>G on transcript NM_004082.5 (MANE Select); coding-DNA position 1292, A replaced by G.
Protein change: p.Asp431Gly; replaces aspartic acid 431 with glycine.
Molecular consequence: missense variant. On other transcripts: non-coding transcript variant (1).
Genome position (GRCh38, 1-based): chr2:74,370,065, T>C on the plus strand (A>G on the coding strand, the complement: DCTN1 is on the minus strand). VCF-style: chr2-74370065-T-C. GRCh37 (hg19) VCF-style: chr2-74597192-T-C.
Other names: c.1232A>G, p.Asp411Gly (NM_001135040.3); c.890A>G, p.Asp297Gly (NM_001135041.3, NM_023019.4); c.1181A>G, p.Asp394Gly (NM_001190836.2); c.1271A>G, p.Asp424Gly (NM_001190837.2); c.1241A>G, p.Asp414Gly (NM_001378991.1); c.1223A>G, p.Asp408Gly (NM_001378992.1); short protein forms D414G, D424G, D394G, D431G, D297G, D408G, D411G.
Identifiers: ClinVar variation 2934327 (VCV002934327.3), dbSNP rs2529153935, ClinGen allele CA347360305.
Genomic context (GRCh38, chr2:74,370,065, plus strand): 5'-TCCAGATTCAGGTTCCGATCTGTCAGCATCTCCACCATCTCCTCAGCACCCAGAGCAGCA[T>C]CCACCTGTGTTACGGGGAGGATAGGGAGAAGGGCTGCTGGAAGGTACCTAGAAAGAGGAG-3'
Protein context (NP_004073.2, residues 421-441): STIDELKEQV[Asp431Gly]AALGAEEMVE

ClinVar aggregate classification (germline): Uncertain significance (1 of 4 stars; one submission).

Conditions:
Amyotrophic lateral sclerosis type 1 (ALS1). Also called: AMYOTROPHIC LATERAL SCLEROSIS 1, FAMILIAL. Identifiers: Orphanet 803, MedGen C1862939, MONDO:0007103, OMIM 105400.
Neuronopathy, distal hereditary motor, type 7B. Also called: HMN VIIB; LOWER MOTOR NEURON DISEASE, DYNACTIN TYPE; NEURONOPATHY, DISTAL HEREDITARY MOTOR, AUTOSOMAL DOMINANT 14; NEURONOPATHY, DISTAL HEREDITARY MOTOR, HARDING TYPE VIIB; NEUROPATHY, DISTAL HEREDITARY MOTOR, HARDING TYPE VIIB; NEUROPATHY, DISTAL HEREDITARY MOTOR, WITH VOCAL CORD PARALYSIS, HARDING TYPE VIIB. Identifiers: Orphanet 139589, MedGen C1843315, MONDO:0011879, OMIM 607641.
Perry syndrome. Also called: PARKINSONISM WITH ALVEOLAR HYPOVENTILATION AND MENTAL DEPRESSION. Identifiers: Orphanet 178509, MedGen C1868594, MONDO:0008201, OMIM 168605.

Submission:

Labcorp Genetics (formerly Invitae), Labcorp
Classification: Uncertain significance for Amyotrophic lateral sclerosis type 1; Neuronopathy, distal hereditary motor, type 7B; Perry syndrome. Last evaluated: 2024-09-05. Review status: criteria provided, single submitter. Criteria: Invitae Variant Classification Sherloc (09022015). Collection method: clinical testing. Allele origin: germline.
Comment: This sequence change replaces aspartic acid, which is acidic and polar, with glycine, which is neutral and non-polar, at codon 431 of the DCTN1 protein (p.Asp431Gly). This variant is not present in population databases (gnomAD no frequency). This variant has not been reported in the literature in individuals affected with DCTN1-related conditions. Invitae Evidence Modeling of protein sequence and biophysical properties (such as structural, functional, and spatial information, amino acid conservation, physicochemical variation, residue mobility, and thermodynamic stability) indicates that this missense variant is expected to disrupt DCTN1 protein function with a positive predictive value of 80%. Algorithms developed to predict the effect of sequence changes on RNA splicing suggest that this variant may disrupt the consensus splice site. In summary, the available evidence is currently insufficient to determine the role of this variant in disease. Therefore, it has been classified as a Variant of Uncertain Significance.